The following is an entry in ClinVar:

NM_020361.5(CPA6):c.289T>C (p.Phe97Leu)

Gene: CPA6 (carboxypeptidase A6; minus strand). Cytogenetic location: 8q13.2.
Variant type: single nucleotide variant.
Coding change: c.289T>C on transcript NM_020361.5 (MANE Select); coding-DNA position 289, T replaced by C.
Protein change: p.Phe97Leu; replaces phenylalanine 97 with leucine.
Molecular consequence: missense variant.
Genome position (GRCh38, 1-based): chr8:67,517,951, A>G on the plus strand (T>C on the coding strand, the complement: CPA6 is on the minus strand). VCF-style: chr8-67517951-A-G. GRCh37 (hg19) VCF-style: chr8-68430186-A-G.
Other names: short protein forms F97L.
Identifiers: ClinVar variation 947982 (VCV000947982.9), dbSNP rs1249651960, ClinGen allele CA371262225.
Genomic context (GRCh38, chr8:67,517,951, plus strand): 5'-AAATTTTATAGCAAGTGAAAAGGAATGCTTACTTGTACTGGATGTTGGCTTCCTGTAAGA[A>G]GGCTAACAGGGCTCGGGAACCATTTTGGGGGATATGGACATCAGTAACTGTTCCCTCTGA-3'
Protein context (NP_065094.3, residues 87-107): PQNGSRALLA[Phe97Leu]LQEANIQYKV

ClinVar aggregate classification (germline): Uncertain significance (1 of 4 stars; one submission).

Conditions:
Febrile seizures, familial, 11 (FEB11). Also called: CONVULSIONS, FAMILIAL FEBRILE, 11. Identifiers: MedGen C3280734, MONDO:0024566, OMIM 614418.

Allele frequency attached by ClinVar (database versions not stated): gnomAD exomes below 0.00001; gnomAD 0.00001; TOPMed 0.00001.
gnomAD v4.1: 6 of 1,612,316 alleles (0.00037%); highest among the groups gnomAD compares: Non-Finnish European, 0.00051%; no homozygotes.

Submission:

Labcorp Genetics (formerly Invitae), Labcorp
Classification: Uncertain significance for Febrile seizures, familial, 11. Last evaluated: 2020-02-23. Review status: criteria provided, single submitter. Criteria: Invitae Variant Classification Sherloc (09022015). Collection method: clinical testing. Allele origin: germline.
Comment: In summary, the available evidence is currently insufficient to determine the role of this variant in disease. Therefore, it has been classified as a Variant of Uncertain Significance. Algorithms developed to predict the effect of missense changes on protein structure and function (SIFT, PolyPhen-2, Align-GVGD) all suggest that this variant is likely to be tolerated, but these predictions have not been confirmed by published functional studies and their clinical significance is uncertain. This variant has not been reported in the literature in individuals with CPA6-related conditions. This variant is not present in population databases (ExAC no frequency). This sequence change replaces phenylalanine with leucine at codon 97 of the CPA6 protein (p.Phe97Leu). The phenylalanine residue is moderately conserved and there is a small physicochemical difference between phenylalanine and leucine.